The following is an entry in ClinVar:

ClinVar aggregate classification (germline): Uncertain significance (1 of 4 stars; one submission).

Conditions:
Hereditary cancer-predisposing syndrome. Also called: Neoplastic Syndromes, Hereditary; Tumor predisposition; Hereditary neoplastic syndrome; Hereditary Cancer Syndrome. Identifiers: Orphanet 140162, MedGen C0027672, MeSH D009386, MONDO:0015356.

Submission:

Ambry Genetics
Classification: Uncertain significance for Hereditary cancer-predisposing syndrome. Last evaluated: 2026-08-25. Review status: criteria provided, single submitter. Criteria: Ambry Variant Classification Scheme 2023. Collection method: clinical testing. Allele origin: germline.
Comment: The p.Y610* variant (also known as c.1830C>A), located in coding exon 15 of the POT1 gene, results from a C to A substitution at nucleotide position 1830. This changes the amino acid from a tyrosine to a stop codon within coding exon 15. This variant occurs at the 3' terminus of the gene, is not expected to trigger nonsense-mediated mRNAdecay, and impacts the last 3.9% of the protein. The exact functional effect of this variant is unknown. Based on the available evidence, the clinical significance of this variant remains unclear.

NM_015450.3(POT1):c.1830C>A (p.Tyr610Ter)

Gene: POT1 (protection of telomeres 1; minus strand). Cytogenetic location: 7q31.33.
Variant type: single nucleotide variant.
Coding change: c.1830C>A on transcript NM_015450.3 (MANE Select); coding-DNA position 1830, C replaced by A.
Protein change: p.Tyr610Ter; replaces tyrosine 610 with a stop codon.
Molecular consequence: nonsense. On other transcripts: non-coding transcript variant (3).
Genome position (GRCh38, 1-based): chr7:124,824,037, G>T on the plus strand (C>A on the coding strand, the complement: POT1 is on the minus strand). VCF-style: chr7-124824037-G-T. GRCh37 (hg19) VCF-style: chr7-124464091-G-T.
Other names: c.1437C>A, p.Tyr479Ter (NM_001042594.2); short protein forms Y479*, Y610*.
Identifiers: ClinVar variation 5027187 (VCV005027187.1).